The following is an entry in ClinVar:

NM_000416.3(IFNGR1):c.1435dup (p.Tyr479fs)

Gene: IFNGR1 (interferon gamma receptor 1; minus strand). Cytogenetic location: 6q23.3.
Variant type: Duplication.
Coding change: c.1435dup on transcript NM_000416.3 (MANE Select); coding-DNA position 1435, one base duplicated (T; older notation c.1435dupT).
Protein change: p.Tyr479fs; shifts the reading frame from tyrosine 479.
Molecular consequence: frameshift variant.
Genome position (GRCh38, 1-based): chr6:137,198,066, A duplicated on the plus strand (T on the coding strand, the reverse complement: IFNGR1 is on the minus strand); the first of 2 consecutive A bases (chr6:137,198,066-137,198,067); duplicating either gives the same sequence. VCF-style (leftmost placement, unchanged base first): chr6-137198065-T-TA. GRCh37 (hg19) VCF-style: chr6-137519202-T-TA.
Other names: c.1405dup, p.Tyr469fs (NM_001363526.1); c.1312dup, p.Tyr438fs (NM_001363527.1); short protein forms Y469fs, Y438fs, Y479fs.
Identifiers: ClinVar variation 3726739 (VCV003726739.2).
Genomic context (GRCh38, chr6:137,198,065, plus strand): 5'-TCAAAGTTGGTGCAACTTAGCTGATCTCATGAAAATTCTTTGGAATCTTCTGTTGGTCTA[T>TA]AACCAATCAAGGACTCTTTACCGCTATCATCCACAAGTAGATCCACTAGCACATGTGGTT-3'

ClinVar aggregate classification (germline): Uncertain significance (1 of 4 stars; one submission).

Conditions:
Disseminated atypical mycobacterial infection. Identifiers: MedGen C0694566.

Submission:

Labcorp Genetics (formerly Invitae), Labcorp
Classification: Uncertain significance for Disseminated atypical mycobacterial infection. Last evaluated: 2024-12-06. Review status: criteria provided, single submitter. Criteria: Invitae Variant Classification Sherloc (09022015). Collection method: clinical testing. Allele origin: germline.
Comment: This sequence change creates a premature translational stop signal (p.Tyr479Leufs*2) in the IFNGR1 gene. While this is not anticipated to result in nonsense mediated decay, it is expected to disrupt the last 11 amino acid(s) of the IFNGR1 protein. This variant is not present in population databases (gnomAD no frequency). This variant has not been reported in the literature in individuals affected with IFNGR1-related conditions. Experimental studies and prediction algorithms are not available or were not evaluated, and the functional significance of this variant is currently unknown. In summary, the available evidence is currently insufficient to determine the role of this variant in disease. Therefore, it has been classified as a Variant of Uncertain Significance.